The following is an entry in ClinVar:

ClinVar aggregate classification (germline): Uncertain significance (1 of 4 stars; one submission).

gnomAD v4.1: 3 of 1,522,724 alleles (0.0002%); highest among the groups gnomAD compares: East Asian, 0.0025%; no homozygotes.

Submission:

Labcorp Genetics (formerly Invitae), Labcorp
Classification: Uncertain significance. Last evaluated: 2024-04-05. Review status: criteria provided, single submitter. Criteria: Invitae Variant Classification Sherloc (09022015). Collection method: clinical testing. Allele origin: germline.
Comment: This sequence change replaces proline, which is neutral and non-polar, with serine, which is neutral and polar, at codon 740 of the PDZD7 protein (p.Pro740Ser). This variant is not present in population databases (gnomAD no frequency). This variant has not been reported in the literature in individuals affected with PDZD7-related conditions. ClinVar contains an entry for this variant (Variation ID: 1026500). Advanced modeling of protein sequence and biophysical properties (such as structural, functional, and spatial information, amino acid conservation, physicochemical variation, residue mobility, and thermodynamic stability) performed at Invitae indicates that this missense variant is not expected to disrupt PDZD7 protein function with a negative predictive value of 80%. In summary, the available evidence is currently insufficient to determine the role of this variant in disease. Therefore, it has been classified as a Variant of Uncertain Significance.

NM_001195263.2(PDZD7):c.2218C>T (p.Pro740Ser)

Gene: PDZD7 (PDZ domain containing 7; minus strand). Cytogenetic location: 10q24.31.
Variant type: single nucleotide variant.
Coding change: c.2218C>T on transcript NM_001195263.2 (MANE Select); coding-DNA position 2218, C replaced by T.
Protein change: p.Pro740Ser; replaces proline 740 with serine.
Molecular consequence: missense variant.
Genome position (GRCh38, 1-based): chr10:101,010,671, G>A on the plus strand (C>T on the coding strand, the complement: PDZD7 is on the minus strand). VCF-style: chr10-101010671-G-A. GRCh37 (hg19) VCF-style: chr10-102770428-G-A.
Other names: short protein forms P740S.
Identifiers: ClinVar variation 1026500 (VCV001026500.8), dbSNP rs1179069732, ClinGen allele CA378224893.
Genomic context (GRCh38, chr10:101,010,671, plus strand): 5'-GCTCTCGGCTCAGGGGTTCTGTCAGCAGCCAGTTAGGCCGCAGGGGCCGGGGAGCCACGG[G>A]GGGTAGCTGGGGAGGGGGTGTGCAGGCAATTCGGAGGGGGGTGAAGGCATCTACTGGCAC-3'
Protein context (NP_001182192.1, residues 730-750): IACTPPPQLP[Pro740Ser]VAPRPLRPNW